The following is an entry in ClinVar:

NM_000444.6(PHEX):c.1180C>T (p.Gln394Ter)

Gene: PHEX (phosphate regulating endopeptidase X-linked; plus strand). Cytogenetic location: Xp22.11.
Variant type: single nucleotide variant.
Coding change: c.1180C>T on transcript NM_000444.6 (MANE Select); coding-DNA position 1180, C replaced by T.
Protein change: p.Gln394Ter; replaces glutamine 394 with a stop codon.
Molecular consequence: nonsense.
Genome position (GRCh38, 1-based): chrX:22,114,464, C>T. VCF-style: chrX-22114464-C-T. GRCh37 (hg19) VCF-style: chrX-22132582-C-T.
Other names: c.1180C>T, p.Gln394Ter (NM_001282754.2); short protein forms Q394*.
Identifiers: ClinVar variation 372457 (VCV000372457.10), dbSNP rs1057517793, ClinGen allele CA16043225.

ClinVar aggregate classification (germline): Pathogenic. Review status: criteria provided, multiple submitters, no conflicts (2 of 4 stars). 2 submissions from 2 submitters: Pathogenic (2). Last evaluated 2020-01-15.

Submissions (2):

Labcorp Genetics (formerly Invitae), Labcorp
Classification: Pathogenic. Last evaluated: 2020-01-15. Review status: criteria provided, single submitter. Criteria: Invitae Variant Classification Sherloc (09022015). Collection method: clinical testing. Allele origin: germline.
Comment: For these reasons, this variant has been classified as Pathogenic. Loss-of-function variants in PHEX are known to be pathogenic (PMID: 9097956, 9106524, 19219621). This variant has been observed in an individual with hypophosphatemic rickets (PMID: 19513579). ClinVar contains an entry for this variant (Variation ID: 372457). This variant is not present in population databases (ExAC no frequency). This sequence change creates a premature translational stop signal (p.Gln394*) in the PHEX gene. It is expected to result in an absent or disrupted protein product.

GeneDx
Classification: Pathogenic. Last evaluated: 2016-05-27. Review status: criteria provided, single submitter. Criteria: GeneDx Variant Classification (06012015). Collection method: clinical testing. Allele origin: germline. Affected: yes.
Comment: The Q394X nonsense variant in the PHEX gene has been reported previously in association with X-linked hypophosphatemic rickets (Clausmeyer et al., 2009). The Q394X variant was not observed in approximately 6,500 individuals of European and African American ancestry in the NHLBI Exome Sequencing Project, indicating it is not a common benign variant in these populations. This pathogenic variant is predicted to cause loss of normal protein function either through protein truncation or nonsense-mediated mRNA decay

Literature cited by the submitters: PubMed 9097956 (cited by Labcorp Genetics (formerly Invitae), Labcorp); PubMed 9106524 (cited by Labcorp Genetics (formerly Invitae), Labcorp); PubMed 19219621 (cited by Labcorp Genetics (formerly Invitae), Labcorp); PubMed 19513579 (cited by Labcorp Genetics (formerly Invitae), Labcorp).